The following is an entry in ClinVar:

NM_004341.5(CAD):c.3998G>A (p.Arg1333Gln)

Gene: CAD (carbamoyl-phosphate synthetase 2, aspartate transcarbamylase, and dihydroorotase; plus strand). Cytogenetic location: 2p23.3.
Variant type: single nucleotide variant.
Coding change: c.3998G>A on transcript NM_004341.5 (MANE Select); coding-DNA position 3998, G replaced by A.
Protein change: p.Arg1333Gln; replaces arginine 1333 with glutamine.
Molecular consequence: missense variant.
Genome position (GRCh38, 1-based): chr2:27,235,564, G>A. VCF-style: chr2-27235564-G-A. GRCh37 (hg19) VCF-style: chr2-27458432-G-A.
Other names: c.3809G>A, p.Arg1270Gln (NM_001306079.2); short protein forms R1270Q, R1333Q.
Identifiers: ClinVar variation 1404094 (VCV001404094.5), dbSNP rs780986053, ClinGen allele CA1573411.

ClinVar aggregate classification (germline): Uncertain significance (1 of 4 stars; one submission).

Allele frequency attached by ClinVar (database versions not stated): TOPMed below 0.00001; ExAC 0.00001; gnomAD 0.00001; gnomAD exomes 0.00001.
gnomAD v4.1: 8 of 1,614,012 alleles (0.0005%); highest among the groups gnomAD compares: South Asian, 0.0011%; no homozygotes.

Submission:

Labcorp Genetics (formerly Invitae), Labcorp
Classification: Uncertain significance. Last evaluated: 2022-08-16. Review status: criteria provided, single submitter. Criteria: Invitae Variant Classification Sherloc (09022015). Collection method: clinical testing. Allele origin: germline.
Comment: Algorithms developed to predict the effect of sequence changes on RNA splicing suggest that this variant may create or strengthen a splice site.